The following is an entry in ClinVar:

ClinVar aggregate classification (germline): Conflicting classifications of pathogenicity. Review status: criteria provided, conflicting classifications (1 of 4 stars). 5 submissions from 5 submitters: Uncertain significance (4); Likely benign (1). Last evaluated 2025-07-02.

Conditions:
Hereditary cancer-predisposing syndrome. Also called: Hereditary neoplastic syndrome; Hereditary Cancer Syndrome; Neoplastic Syndromes, Hereditary; Tumor predisposition. Identifiers: Orphanet 140162, MedGen C0027672, MeSH D009386, MONDO:0015356.
Fanconi anemia complementation group J. Also called: BRIP1-Related Fanconi Anemia. Identifiers: Orphanet 84, MedGen C1836860, MONDO:0012187, OMIM 609054.
Familial cancer of breast. Also called: hereditary breast carcinoma; Hereditary breast cancer; BREAST CANCER, FAMILIAL. Identifiers: Orphanet 227535, MedGen C0346153, MONDO:0016419, OMIM 114480. Disease mechanism: loss of function.

Allele frequency attached by ClinVar (database versions not stated): gnomAD exomes below 0.00001.
gnomAD v4.1: 2 of 1,613,784 alleles (0.00012%); highest among the groups gnomAD compares: Non-Finnish European, 0.00017%; no homozygotes.

Submissions (5):

Color Diagnostics, LLC DBA Color Health
Classification: Likely benign for Hereditary cancer-predisposing syndrome. Last evaluated: 2025-07-02. Review status: criteria provided, single submitter. Criteria: ACMG Guidelines, 2015. Collection method: clinical testing. Allele origin: germline.

Labcorp Genetics (formerly Invitae), Labcorp
Classification: Uncertain significance for Familial cancer of breast; Fanconi anemia complementation group J. Last evaluated: 2025-03-19. Review status: criteria provided, single submitter. Criteria: Invitae Variant Classification Sherloc (09022015). Collection method: clinical testing. Allele origin: germline.
Comment: This sequence change replaces glutamic acid, which is acidic and polar, with glycine, which is neutral and non-polar, at codon 1124 of the BRIP1 protein (p.Glu1124Gly). This variant is not present in population databases (gnomAD no frequency). This variant has not been reported in the literature in individuals affected with BRIP1-related conditions. ClinVar contains an entry for this variant (Variation ID: 419472). Invitae Evidence Modeling of protein sequence and biophysical properties (such as structural, functional, and spatial information, amino acid conservation, physicochemical variation, residue mobility, and thermodynamic stability) indicates that this missense variant is not expected to disrupt BRIP1 protein function with a negative predictive value of 95%. In summary, the available evidence is currently insufficient to determine the role of this variant in disease. Therefore, it has been classified as a Variant of Uncertain Significance.

Center for Genomic Medicine, Rigshospitalet, Copenhagen University Hospital
Classification: Uncertain significance. Last evaluated: 2025-03-04. Review status: criteria provided, single submitter. Criteria: ACMG Guidelines, 2015. Collection method: clinical testing. Allele origin: germline.

Ambry Genetics
Classification: Uncertain significance for Hereditary cancer-predisposing syndrome. Last evaluated: 2023-12-29. Review status: criteria provided, single submitter. Criteria: Ambry Variant Classification Scheme 2023. Collection method: clinical testing. Allele origin: germline.
Comment: The p.E1124G variant (also known as c.3371A>G), located in coding exon 19 of the BRIP1 gene, results from an A to G substitution at nucleotide position 3371. The glutamic acid at codon 1124 is replaced by glycine, an amino acid with similar properties. This variant was reported in 2/60,466 breast cancer cases and in 0/53,461 controls (Dorling et al. N Engl J Med. 2021 02;384:428-439). This amino acid position is well conserved in available vertebrate species. In addition, this alteration is predicted to be tolerated by in silico analysis. Since supporting evidence is limited at this time, the clinical significance of this alteration remains unclear.

GeneDx
Classification: Uncertain significance. Last evaluated: 2023-09-06. Review status: criteria provided, single submitter. Criteria: GeneDx Variant Classification Process June 2021. Collection method: clinical testing. Allele origin: germline. Affected: yes.
Comment: Not observed at significant frequency in large population cohorts (gnomAD); In silico analysis supports that this missense variant does not alter protein structure/function; Observed in cases and absent in unaffected controls in a breast cancer study (Dorling et al., 2021); This variant is associated with the following publications: (PMID: 33471991)

Literature cited by the submitters: PubMed 33471991 (cited by Ambry Genetics).

NM_032043.3(BRIP1):c.3371A>G (p.Glu1124Gly)

Gene: BRIP1 (BRCA1 interacting DNA helicase 1; minus strand). Cytogenetic location: 17q23.2.
Variant type: single nucleotide variant.
Coding change: c.3371A>G on transcript NM_032043.3 (MANE Select); coding-DNA position 3371, A replaced by G.
Protein change: p.Glu1124Gly; replaces glutamic acid 1124 with glycine.
Molecular consequence: missense variant.
Genome position (GRCh38, 1-based): chr17:61,683,675, T>C on the plus strand (A>G on the coding strand, the complement: BRIP1 is on the minus strand). VCF-style: chr17-61683675-T-C. GRCh37 (hg19) VCF-style: chr17-59761036-T-C.
Other names: short protein forms E1124G.
Identifiers: ClinVar variation 419472 (VCV000419472.20), dbSNP rs1064793894, ClinGen allele CA16620510.